The following is an entry in ClinVar:

NM_198578.4(LRRK2):c.2459C>T (p.Pro820Leu)

Gene: LRRK2 (leucine rich repeat kinase 2; plus strand). Cytogenetic location: 12q12.
Variant type: single nucleotide variant.
Coding change: c.2459C>T on transcript NM_198578.4 (MANE Select); coding-DNA position 2459, C replaced by T.
Protein change: p.Pro820Leu; replaces proline 820 with leucine.
Molecular consequence: missense variant.
Genome position (GRCh38, 1-based): chr12:40,284,092, C>T. VCF-style: chr12-40284092-C-T. GRCh37 (hg19) VCF-style: chr12-40677894-C-T.
Other names: short protein forms P820L.
Identifiers: ClinVar variation 1791590 (VCV001791590.2), dbSNP rs1235845672, ClinGen allele CA384407390.

ClinVar aggregate classification (germline): Uncertain significance (1 of 4 stars; one submission).

Conditions:
Inborn genetic diseases. Identifiers: MedGen C0950123, MeSH D030342.

Allele frequency attached by ClinVar (database versions not stated): TOPMed below 0.00001.
gnomAD v4.1: 1 of 1,612,426 alleles (0.000062%); highest among the groups gnomAD compares: Admixed American, 0.0017%; no homozygotes.

Submission:

Ambry Genetics
Classification: Uncertain significance for Inborn genetic diseases. Last evaluated: 2022-05-20. Review status: criteria provided, single submitter. Criteria: Ambry Variant Classification Scheme 2023. Collection method: clinical testing. Allele origin: germline.
Comment: The p.P820L variant (also known as c.2459C>T), located in coding exon 19 of the LRRK2 gene, results from a C to T substitution at nucleotide position 2459. The proline at codon 820 is replaced by leucine, an amino acid with similar properties. This amino acid position is conserved. In addition, this alteration is predicted to be deleterious by in silico analysis. Since supporting evidence is limited at this time, the clinical significance of this alteration remains unclear.